The following is an entry in ClinVar:

ClinVar aggregate classification (germline): Uncertain significance (1 of 4 stars; one submission).

Conditions:
Developmental and epileptic encephalopathy, 34 (DEE34). Also called: SLC12A5-Related Epilepsy of Infancy with Migrating Focal Seizures; Early infantile epileptic encephalopathy 34. Identifiers: Orphanet 293181, MedGen C4225257, MONDO:0014718, OMIM 616645.

Submission:

Labcorp Genetics (formerly Invitae), Labcorp
Classification: Uncertain significance for Developmental and epileptic encephalopathy, 34. Last evaluated: 2023-11-17. Review status: criteria provided, single submitter. Criteria: Invitae Variant Classification Sherloc (09022015). Collection method: clinical testing. Allele origin: germline.
Comment: This sequence change replaces leucine, which is neutral and non-polar, with proline, which is neutral and non-polar, at codon 500 of the SLC12A5 protein (p.Leu500Pro). This variant is not present in population databases (gnomAD no frequency). This variant has not been reported in the literature in individuals affected with SLC12A5-related conditions. Advanced modeling of protein sequence and biophysical properties (such as structural, functional, and spatial information, amino acid conservation, physicochemical variation, residue mobility, and thermodynamic stability) performed at Invitae indicates that this missense variant is expected to disrupt SLC12A5 protein function with a positive predictive value of 80%. In summary, the available evidence is currently insufficient to determine the role of this variant in disease. Therefore, it has been classified as a Variant of Uncertain Significance.

NM_020708.5(SLC12A5):c.1499T>C (p.Leu500Pro)

Gene: SLC12A5 (solute carrier family 12 member 5; plus strand). Cytogenetic location: 20q13.12.
Variant type: single nucleotide variant.
Coding change: c.1499T>C on transcript NM_020708.5 (MANE Select); coding-DNA position 1499, T replaced by C.
Protein change: p.Leu500Pro; replaces leucine 500 with proline.
Molecular consequence: missense variant.
Genome position (GRCh38, 1-based): chr20:46,045,070, T>C. VCF-style: chr20-46045070-T-C. GRCh37 (hg19) VCF-style: chr20-44673709-T-C.
Other names: c.1568T>C, p.Leu523Pro (NM_001134771.2); short protein forms L523P, L500P.
Identifiers: ClinVar variation 2696453 (VCV002696453.3), dbSNP rs2515643049, ClinGen allele CA409195166.